The following is an entry in ClinVar:

ClinVar aggregate classification (germline): Uncertain significance. Review status: criteria provided, multiple submitters, no conflicts (2 of 4 stars). 3 submissions from 3 submitters: Uncertain significance (3). Last evaluated 2024-02-19.

Conditions:
Hereditary cancer-predisposing syndrome. Also called: Neoplastic Syndromes, Hereditary; Hereditary Cancer Syndrome; Tumor predisposition; Hereditary neoplastic syndrome. Identifiers: Orphanet 140162, MedGen C0027672, MeSH D009386, MONDO:0015356.
Familial cancer of breast. Also called: Hereditary breast cancer; BREAST CANCER, FAMILIAL; hereditary breast carcinoma. Identifiers: Orphanet 227535, MedGen C0346153, MONDO:0016419, OMIM 114480. Disease mechanism: loss of function.

Allele frequency attached by ClinVar (database versions not stated): TOPMed 0.00002.

Submissions (3):

Baylor Genetics
Classification: Uncertain significance for Familial cancer of breast. Last evaluated: 2024-02-19. Review status: criteria provided, single submitter. Criteria: ACMG Guidelines, 2015. Collection method: clinical testing. Allele origin: unknown.

Color Diagnostics, LLC DBA Color Health
Classification: Uncertain significance for Hereditary cancer-predisposing syndrome. Last evaluated: 2023-12-05. Review status: criteria provided, single submitter. Criteria: ACMG Guidelines, 2015. Collection method: clinical testing. Allele origin: germline.
Comment: This missense variant replaces isoleucine with leucine at codon 1167 of the ATM protein. Computational prediction suggests that this variant may not impact protein structure and function (internally defined REVEL score threshold <= 0.5, PMID: 27666373). To our knowledge, functional studies have not been reported for this variant. This variant has not been reported in individuals affected with ATM-related disorders in the literature. This variant has not been identified in the general population by the Genome Aggregation Database (gnomAD). The available evidence is insufficient to determine the role of this variant in disease conclusively. Therefore, this variant is classified as a Variant of Uncertain Significance.

Ambry Genetics
Classification: Uncertain significance for Hereditary cancer-predisposing syndrome. Last evaluated: 2017-10-13. Review status: criteria provided, single submitter. Criteria: Ambry Variant Classification Scheme 2023. Collection method: clinical testing. Allele origin: germline.
Comment: The p.I1167L variant (also known as c.3499A>C), located in coding exon 23 of the ATM gene, results from an A to C substitution at nucleotide position 3499. The isoleucine at codon 1167 is replaced by leucine, an amino acid with highly similar properties. This amino acid position is poorly conserved in available vertebrate species. In addition, this alteration is predicted to be tolerated by in silico analysis. Since supporting evidence is limited at this time, the clinical significance of this alteration remains unclear.

NM_000051.4(ATM):c.3499A>C (p.Ile1167Leu)

Gene: ATM (ATM serine/threonine kinase; plus strand). Cytogenetic location: 11q22.3.
Variant type: single nucleotide variant.
Coding change: c.3499A>C on transcript NM_000051.4 (MANE Select); coding-DNA position 3499, A replaced by C.
Protein change: p.Ile1167Leu; replaces isoleucine 1167 with leucine.
Molecular consequence: missense variant.
Genome position (GRCh38, 1-based): chr11:108,281,091, A>C. VCF-style: chr11-108281091-A-C. GRCh37 (hg19) VCF-style: chr11-108151818-A-C.
Other names: c.3499A>C, p.Ile1167Leu (NM_001351834.2); short protein forms I1167L.
Identifiers: ClinVar variation 927341 (VCV000927341.7), dbSNP rs1222634243, ClinGen allele CA382519740.